The following is an entry in ClinVar:

NM_022111.4(CLSPN):c.1229A>C (p.Gln410Pro)

Gene: CLSPN (claspin; minus strand). Cytogenetic location: 1p34.3.
Variant type: single nucleotide variant.
Coding change: c.1229A>C on transcript NM_022111.4 (MANE Select); coding-DNA position 1229, A replaced by C.
Protein change: p.Gln410Pro; replaces glutamine 410 with proline.
Molecular consequence: missense variant.
Genome position (GRCh38, 1-based): chr1:35,760,692, T>G on the plus strand (A>C on the coding strand, the complement: CLSPN is on the minus strand). VCF-style: chr1-35760692-T-G. GRCh37 (hg19) VCF-style: chr1-36226293-T-G.
Other names: c.1229A>C, p.Gln410Pro (NM_001190481.2, NM_001330490.2); short protein forms Q410P.
Identifiers: ClinVar variation 4869021 (VCV004869021.1).

ClinVar aggregate classification (germline): Uncertain significance (1 of 4 stars; one submission).

gnomAD v4.1: 6 of 1,614,098 alleles (0.00037%); highest among the groups gnomAD compares: Non-Finnish European, 0.00051%; no homozygotes.

Submission:

Ambry Genetics
Classification: Uncertain significance. Last evaluated: 2026-03-17. Review status: criteria provided, single submitter. Criteria: Ambry Variant Classification Scheme 2023. Collection method: clinical testing. Allele origin: germline.
Comment: The c.1229A>C (p.Q410P) alteration is located in exon 8 (coding exon 8) of the CLSPN gene. This alteration results from a A to C substitution at nucleotide position 1229, causing the glutamine (Q) at amino acid position 410 to be replaced by a proline (P). Based on data from gnomAD, the C allele has an overall frequency of 0.001% (3/251432) total alleles studied. The highest observed frequency was 0.003% (3/113720) of European (non-Finnish) alleles. Based on insufficient or conflicting evidence, the clinical significance of this alteration remains unclear.